The following is an entry in ClinVar:

ClinVar aggregate classification (germline): Uncertain significance (1 of 4 stars; one submission).

Submission:

CeGaT Center for Human Genetics Tuebingen
Classification: Uncertain significance. Last evaluated: 2024-08-01. Review status: criteria provided, single submitter. Criteria: CeGaT Center For Human Genetics Tuebingen Variant Classification Criteria Version 2. Collection method: clinical testing. Allele origin: germline. Affected: yes. Observed: 1 variant allele.
Comment: GRIN2A: PM2, PP3

NM_001134407.3(GRIN2A):c.724G>A (p.Glu242Lys)

Gene: GRIN2A (glutamate ionotropic receptor NMDA type subunit 2A; minus strand). Cytogenetic location: 16p13.2.
Variant type: single nucleotide variant.
Coding change: c.724G>A on transcript NM_001134407.3 (MANE Select); coding-DNA position 724, G replaced by A.
Protein change: p.Glu242Lys; replaces glutamic acid 242 with lysine.
Molecular consequence: missense variant.
Genome position (GRCh38, 1-based): chr16:9,938,242, C>T on the plus strand (G>A on the coding strand, the complement: GRIN2A is on the minus strand). VCF-style: chr16-9938242-C-T. GRCh37 (hg19) VCF-style: chr16-10032099-C-T.
Other names: c.724G>A, p.Glu242Lys (NM_000833.5, NM_001134408.2); short protein forms E242K.
Identifiers: ClinVar variation 3342151 (VCV003342151.16).